The following is an entry in ClinVar:

NM_004606.5(TAF1):c.4543A>G (p.Ile1515Val)

Gene: TAF1 (TATA-box binding protein associated factor 1; plus strand). Cytogenetic location: Xq13.1.
Variant type: single nucleotide variant.
Coding change: c.4543A>G on transcript NM_004606.5 (MANE Select); coding-DNA position 4543, A replaced by G.
Protein change: p.Ile1515Val; replaces isoleucine 1515 with valine.
Molecular consequence: missense variant. On other transcripts: non-coding transcript variant (9).
Genome position (GRCh38, 1-based): chrX:71,423,207, A>G. VCF-style: chrX-71423207-A-G. GRCh37 (hg19) VCF-style: chrX-70643057-A-G.
Other names: c.4543A>G, p.Ile1515Val (NM_001286074.2); c.4480A>G, p.Ile1494Val (NM_138923.4); short protein forms I1494V, I1515V.
Identifiers: ClinVar variation 1695307 (VCV001695307.32), dbSNP rs1191340341, ClinGen allele CA413541849.

ClinVar aggregate classification (germline): Uncertain significance. Review status: criteria provided, multiple submitters, no conflicts (2 of 4 stars). 2 submissions from 2 submitters: Uncertain significance (2). Last evaluated 2025-02-13.

Allele frequency attached by ClinVar (database versions not stated): gnomAD exomes 0.00001; TOPMed 0.00001; gnomAD 0.00002.
gnomAD v4.1: 16 of 1,209,910 alleles (0.0013%); highest among the groups gnomAD compares: Middle Eastern, 0.023%; no homozygotes.

Submissions (2):

Labcorp Genetics (formerly Invitae), Labcorp
Classification: Uncertain significance. Last evaluated: 2025-02-13. Review status: criteria provided, single submitter. Criteria: Invitae Variant Classification Sherloc (09022015). Collection method: clinical testing. Allele origin: germline.
Comment: This sequence change replaces isoleucine, which is neutral and non-polar, with valine, which is neutral and non-polar, at codon 1535 of the TAF1 protein (p.Ile1535Val). This variant is not present in population databases (gnomAD no frequency). This missense change has been observed in individual(s) with TAF1-related conditions (PMID: 33739554). ClinVar contains an entry for this variant (Variation ID: 1695307). Invitae Evidence Modeling of protein sequence and biophysical properties (such as structural, functional, and spatial information, amino acid conservation, physicochemical variation, residue mobility, and thermodynamic stability) indicates that this missense variant is not expected to disrupt TAF1 protein function with a negative predictive value of 80%. In summary, the available evidence is currently insufficient to determine the role of this variant in disease. Therefore, it has been classified as a Variant of Uncertain Significance.

CeGaT Center for Human Genetics Tuebingen
Classification: Uncertain significance. Last evaluated: 2022-11-01. Review status: criteria provided, single submitter. Criteria: CeGaT Center For Human Genetics Tuebingen Variant Classification Criteria Version 2. Collection method: clinical testing. Allele origin: germline. Affected: yes. Observed: 3 variant alleles.
Comment: TAF1: PP2

Literature cited by the submitters: PubMed 33739554 (cited by Labcorp Genetics (formerly Invitae), Labcorp).